The following is an entry in ClinVar:

ClinVar aggregate classification (germline): Uncertain significance. Review status: criteria provided, multiple submitters, no conflicts (2 of 4 stars). 4 submissions from 4 submitters: Uncertain significance (4). Last evaluated 2025-07-16.

Conditions:
NBN-related disorder. Also called: NBN-related condition.
Hereditary cancer-predisposing syndrome. Also called: Neoplastic Syndromes, Hereditary; Hereditary neoplastic syndrome; Hereditary Cancer Syndrome; Tumor predisposition. Identifiers: Orphanet 140162, MedGen C0027672, MeSH D009386, MONDO:0015356.
Microcephaly, normal intelligence and immunodeficiency (NBS). Also called: IMMUNODEFICIENCY, MICROCEPHALY, AND CHROMOSOMAL INSTABILITY; Nijmegen breakage syndrome; Microcephaly with normal intelligence immunodeficiency and lymphoreticular malignancies; Nonsyndromal microcephaly autosomal recessive with normal intelligence; Seemanova syndrome 2; SEEMANOVA SYNDROME II. Identifiers: Orphanet 647, MedGen C0398791, MONDO:0009623, OMIM 251260.

gnomAD v4.1: 1 of 1,613,738 alleles (0.000062%); highest among the groups gnomAD compares: Admixed American, 0.0017%; no homozygotes.

Submissions (4):

PreventionGenetics, part of Exact Sciences
Classification: Uncertain significance for NBN-related condition. Last evaluated: 2025-07-16. Review status: criteria provided, single submitter. Criteria: ACMG Guidelines, 2015. Collection method: clinical testing. Allele origin: germline.
Comment: The NBN c.2174A>C variant is predicted to result in the amino acid substitution p.Gln725Pro. To our knowledge, this variant has not been reported in the literature or in a large population database (gnomad), indicating this variant is rare. It is interpreted as a variant of uncertain significance in ClinVar. At this time, the clinical significance of this variant is uncertain due to the absence of conclusive functional and genetic evidence.

Ambry Genetics
Classification: Uncertain significance for Hereditary cancer-predisposing syndrome. Last evaluated: 2024-09-08. Review status: criteria provided, single submitter. Criteria: Ambry Variant Classification Scheme 2023. Collection method: clinical testing. Allele origin: germline.
Comment: The p.Q725P variant (also known as c.2174A>C), located in coding exon 14 of the NBN gene, results from an A to C substitution at nucleotide position 2174. The glutamine at codon 725 is replaced by proline, an amino acid with similar properties. This amino acid position is well conserved in available vertebrate species. In addition, this alteration is predicted to be tolerated by in silico analysis. Since supporting evidence is limited at this time, the clinical significance of this alteration remains unclear.

Labcorp Genetics (formerly Invitae), Labcorp
Classification: Uncertain significance for Microcephaly, normal intelligence and immunodeficiency. Last evaluated: 2022-10-17. Review status: criteria provided, single submitter. Criteria: Invitae Variant Classification Sherloc (09022015). Collection method: clinical testing. Allele origin: germline.
Comment: This sequence change replaces glutamine, which is neutral and polar, with proline, which is neutral and non-polar, at codon 725 of the NBN protein (p.Gln725Pro). This variant is not present in population databases (gnomAD no frequency). This variant has not been reported in the literature in individuals affected with NBN-related conditions. ClinVar contains an entry for this variant (Variation ID: 239194). Algorithms developed to predict the effect of missense changes on protein structure and function are either unavailable or do not agree on the potential impact of this missense change (SIFT: "Tolerated"; PolyPhen-2: "Probably Damaging"; Align-GVGD: "Class C0"). In summary, the available evidence is currently insufficient to determine the role of this variant in disease. Therefore, it has been classified as a Variant of Uncertain Significance.

Genome-Nilou Lab
Classification: Uncertain significance for Microcephaly, normal intelligence and immunodeficiency. Last evaluated: 2021-11-07. Review status: criteria provided, single submitter. Criteria: ACMG Guidelines, 2015. Collection method: clinical testing. Allele origin: germline. Affected: no.

NM_002485.5(NBN):c.2174A>C (p.Gln725Pro)

Gene: NBN (nibrin; minus strand). Cytogenetic location: 8q21.3.
Variant type: single nucleotide variant.
Coding change: c.2174A>C on transcript NM_002485.5 (MANE Select); coding-DNA position 2174, A replaced by C.
Protein change: p.Gln725Pro; replaces glutamine 725 with proline.
Molecular consequence: missense variant.
Genome position (GRCh38, 1-based): chr8:89,943,263, T>G on the plus strand (A>C on the coding strand, the complement: NBN is on the minus strand). VCF-style: chr8-89943263-T-G. GRCh37 (hg19) VCF-style: chr8-90955491-T-G.
Other names: c.1928A>C, p.Gln643Pro (NM_001024688.3); short protein forms Q725P, Q643P.
Identifiers: ClinVar variation 239194 (VCV000239194.15), dbSNP rs878854510, ClinGen allele CA10582591.